The following is an entry in ClinVar:

NM_020738.4(KIDINS220):c.2744G>A (p.Arg915His)

Gene: KIDINS220 (kinase D interacting substrate 220; minus strand). Cytogenetic location: 2p25.1.
Variant type: single nucleotide variant.
Coding change: c.2744G>A on transcript NM_020738.4 (MANE Select); coding-DNA position 2744, G replaced by A.
Protein change: p.Arg915His; replaces arginine 915 with histidine.
Molecular consequence: missense variant. On other transcripts: non-coding transcript variant (2).
Genome position (GRCh38, 1-based): chr2:8,776,852, C>T on the plus strand (G>A on the coding strand, the complement: KIDINS220 is on the minus strand). VCF-style: chr2-8776852-C-T. GRCh37 (hg19) VCF-style: chr2-8916982-C-T.
Other names: c.2747G>A, p.Arg916His (NM_001348729.2, NM_001348731.2, NM_001348734.2 and 3 more transcripts); c.2744G>A, p.Arg915His (NM_001348732.2, NM_001348735.2, NM_001348738.2 and 3 more transcripts); c.2618G>A, p.Arg873His (NM_001348736.2); short protein forms R916H, R873H, R915H.
Identifiers: ClinVar variation 2985976 (VCV002985976.3), dbSNP rs759435862, ClinGen allele CA345759493.

ClinVar aggregate classification (germline): Uncertain significance (1 of 4 stars; one submission).

gnomAD v4.1: 8 of 1,613,826 alleles (0.0005%); highest among the groups gnomAD compares: East Asian, 0.0022%; no homozygotes.

Submission:

Labcorp Genetics (formerly Invitae), Labcorp
Classification: Uncertain significance. Last evaluated: 2023-09-11. Review status: criteria provided, single submitter. Criteria: Invitae Variant Classification Sherloc (09022015). Collection method: clinical testing. Allele origin: germline.
Comment: In summary, the available evidence is currently insufficient to determine the role of this variant in disease. Therefore, it has been classified as a Variant of Uncertain Significance. An algorithm developed to predict the effect of missense changes on protein structure and function (PolyPhen-2) suggests that this variant is likely to be disruptive. This variant has not been reported in the literature in individuals affected with KIDINS220-related conditions. This variant is present in population databases (no rsID available, gnomAD 0.01%). This sequence change replaces arginine, which is basic and polar, with histidine, which is basic and polar, at codon 915 of the KIDINS220 protein (p.Arg915His).